The following is an entry in ClinVar:

ClinVar aggregate classification (germline): Uncertain significance (1 of 4 stars; one submission).

Conditions:
Dilated cardiomyopathy 1DD (CMD1DD). Identifiers: Orphanet 154, MedGen C2750995, MONDO:0013168, OMIM 613172.

Submission:

Labcorp Genetics (formerly Invitae), Labcorp
Classification: Uncertain significance for Dilated cardiomyopathy 1DD. Last evaluated: 2022-07-25. Review status: criteria provided, single submitter. Criteria: Invitae Variant Classification Sherloc (09022015). Collection method: clinical testing. Allele origin: germline.
Comment: In summary, the available evidence is currently insufficient to determine the role of this variant in disease. Therefore, it has been classified as a Variant of Uncertain Significance. Experimental studies and prediction algorithms are not available or were not evaluated, and the functional significance of this variant is currently unknown. This variant has not been reported in the literature in individuals affected with RBM20-related conditions. This variant is a gross deletion of the genomic region encompassing exon(s) 10-14 of the RBM20 gene, which includes the termination codon. This deletion extends beyond the assayed region for this gene and therefore may encompass additional genes. While this deletion is not anticipated to lead to nonsense mediated decay, it is expected to alter mRNA translation or result in a truncated protein product.

NC_000010.11:g.(?_110820062)_(110835988_?)del

Gene: RBM20 (RNA binding motif protein 20; plus strand). Cytogenetic location: 10q25.2.
Variant type: Deletion.
Identifiers: ClinVar variation 831032 (VCV000831032.7).